The following is an entry in ClinVar:

NM_000400.4(ERCC2):c.1958C>T (p.Thr653Ile)

Gene: ERCC2 (ERCC excision repair 2, TFIIH core complex helicase subunit; minus strand). Cytogenetic location: 19q13.32.
Variant type: single nucleotide variant.
Coding change: c.1958C>T on transcript NM_000400.4 (MANE Select); coding-DNA position 1958, C replaced by T.
Protein change: p.Thr653Ile; replaces threonine 653 with isoleucine.
Molecular consequence: missense variant.
Genome position (GRCh38, 1-based): chr19:45,352,594, G>A on the plus strand (C>T on the coding strand, the complement: ERCC2 is on the minus strand). VCF-style: chr19-45352594-G-A. GRCh37 (hg19) VCF-style: chr19-45855852-G-A.
Other names: short protein forms T653I.
Identifiers: ClinVar variation 1327073 (VCV001327073.8), dbSNP rs763885481, ClinGen allele CA9512962.

ClinVar aggregate classification (germline): Uncertain significance. Review status: criteria provided, multiple submitters, no conflicts (2 of 4 stars). 3 submissions from 3 submitters: Uncertain significance (3). Last evaluated 2022-08-13.

Conditions:
Trichothiodystrophy 1, photosensitive (TTD1). Also called: TAY SYNDROME; TRICHOTHIODYSTROPHY WITH CONGENITAL ICHTHYOSIS; PIBIDS SYNDROME. Identifiers: Orphanet 33364, MedGen C1866504, MONDO:0011125, OMIM 601675.
Inborn genetic diseases. Identifiers: MedGen C0950123, MeSH D030342.

Allele frequency attached by ClinVar (database versions not stated): TOPMed 0.00001; gnomAD exomes 0.00002; ExAC 0.00002; gnomAD 0.00001.
gnomAD v4.1: 15 of 1,613,920 alleles (0.00093%); highest among the groups gnomAD compares: Admixed American, 0.01%; no homozygotes.

Submissions (3):

Labcorp Genetics (formerly Invitae), Labcorp
Classification: Uncertain significance. Last evaluated: 2022-08-13. Review status: criteria provided, single submitter. Criteria: Invitae Variant Classification Sherloc (09022015). Collection method: clinical testing. Allele origin: germline.
Comment: This sequence change replaces threonine, which is neutral and polar, with isoleucine, which is neutral and non-polar, at codon 653 of the ERCC2 protein (p.Thr653Ile). This variant is present in population databases (rs763885481, gnomAD 0.01%). This variant has not been reported in the literature in individuals affected with ERCC2-related conditions. ClinVar contains an entry for this variant (Variation ID: 1327073). Algorithms developed to predict the effect of missense changes on protein structure and function are either unavailable or do not agree on the potential impact of this missense change (SIFT: "Deleterious"; PolyPhen-2: "Probably Damaging"; Align-GVGD: "Class C0"). In summary, the available evidence is currently insufficient to determine the role of this variant in disease. Therefore, it has been classified as a Variant of Uncertain Significance.

Ambry Genetics
Classification: Uncertain significance for Inborn genetic diseases. Last evaluated: 2021-07-05. Review status: criteria provided, single submitter. Criteria: Ambry Variant Classification Scheme 2023. Collection method: clinical testing. Allele origin: germline.
Comment: The p.T653I variant (also known as c.1958C>T), located in coding exon 21 of the ERCC2 gene, results from a C to T substitution at nucleotide position 1958. The threonine at codon 653 is replaced by isoleucine, an amino acid with similar properties. This amino acid position is conserved. In addition, this alteration is predicted to be deleterious by in silico analysis. Since supporting evidence is limited at this time, the clinical significance of this alteration remains unclear.

Baylor Genetics
Classification: Uncertain significance for Trichothiodystrophy 1, photosensitive. Last evaluated: 2021-02-09. Review status: criteria provided, single submitter. Criteria: ACMG Guidelines, 2015. Collection method: clinical testing. Allele origin: unknown. Affected: yes. Study: CSER-TexasKidsCanSeq.
Comment: This variant was determined to be of uncertain significance according to ACMG Guidelines, 2015 [PMID:25741868].